The following is an entry in ClinVar:

NM_001289808.2(CRYAB):c.32G>C (p.Arg11Pro)

Gene: CRYAB (crystallin alpha B; minus strand). Cytogenetic location: 11q23.1.
Variant type: single nucleotide variant.
Coding change: c.32G>C on transcript NM_001289808.2 (MANE Select); coding-DNA position 32, G replaced by C.
Protein change: p.Arg11Pro; replaces arginine 11 with proline.
Molecular consequence: missense variant.
Genome position (GRCh38, 1-based): chr11:111,911,693, C>G on the plus strand (G>C on the coding strand, the complement: CRYAB is on the minus strand). VCF-style: chr11-111911693-C-G. GRCh37 (hg19) VCF-style: chr11-111782417-C-G.
Other names: c.32G>C, p.Arg11Pro (NM_001289807.1, NM_001368245.1, NM_001885.3); short protein forms R11P.
Identifiers: ClinVar variation 4775552 (VCV004775552.1).

ClinVar aggregate classification (germline): Uncertain significance (1 of 4 stars; one submission).

Conditions:
Dilated cardiomyopathy 1II (CMD1II). Identifiers: Orphanet 154, MedGen C3554649, MONDO:0014073, OMIM 615184.

Submission:

Labcorp Genetics (formerly Invitae), Labcorp
Classification: Uncertain significance for Dilated cardiomyopathy 1II. Last evaluated: 2025-10-01. Review status: criteria provided, single submitter. Criteria: Invitae Variant Classification Sherloc (09022015). Collection method: clinical testing. Allele origin: germline.
Comment: This sequence change replaces arginine, which is basic and polar, with proline, which is neutral and non-polar, at codon 11 of the CRYAB protein (p.Arg11Pro). This variant is not present in population databases (gnomAD no frequency). This variant has not been reported in the literature in individuals affected with CRYAB-related conditions. An algorithm developed to predict the effect of missense changes on protein structure and function (PolyPhen-2) suggests that this variant is likely to be disruptive. In summary, the available evidence is currently insufficient to determine the role of this variant in disease. Therefore, it has been classified as a Variant of Uncertain Significance.